The following is an entry in ClinVar:

ClinVar aggregate classification (germline): Uncertain significance (1 of 4 stars; one submission).

Submission:

Labcorp Genetics (formerly Invitae), Labcorp
Classification: Uncertain significance. Last evaluated: 2022-03-26. Review status: criteria provided, single submitter. Criteria: Invitae Variant Classification Sherloc (09022015). Collection method: clinical testing. Allele origin: germline.
Comment: This sequence change replaces alanine, which is neutral and non-polar, with aspartic acid, which is acidic and polar, at codon 606 of the CNGB3 protein (p.Ala606Asp). This variant is not present in population databases (gnomAD no frequency). This variant has not been reported in the literature in individuals affected with CNGB3-related conditions. Advanced modeling of protein sequence and biophysical properties (such as structural, functional, and spatial information, amino acid conservation, physicochemical variation, residue mobility, and thermodynamic stability) performed at Invitae indicates that this missense variant is expected to disrupt CNGB3 protein function. In summary, the available evidence is currently insufficient to determine the role of this variant in disease. Therefore, it has been classified as a Variant of Uncertain Significance.

NM_019098.5(CNGB3):c.1817C>A (p.Ala606Asp)

Gene: CNGB3 (cyclic nucleotide gated channel subunit beta 3; minus strand). Cytogenetic location: 8q21.3.
Variant type: single nucleotide variant.
Coding change: c.1817C>A on transcript NM_019098.5 (MANE Select); coding-DNA position 1817, C replaced by A.
Protein change: p.Ala606Asp; replaces alanine 606 with aspartic acid.
Molecular consequence: missense variant.
Genome position (GRCh38, 1-based): chr8:86,579,217, G>T on the plus strand (C>A on the coding strand, the complement: CNGB3 is on the minus strand). VCF-style: chr8-86579217-G-T. GRCh37 (hg19) VCF-style: chr8-87591445-G-T.
Other names: short protein forms A606D.
Identifiers: ClinVar variation 1969050 (VCV001969050.2), dbSNP rs2538028923, ClinGen allele CA371447984.